The following is an entry in ClinVar:

NM_020778.5(ALPK3):c.4458A>G (p.Ala1486=)

Gene: ALPK3 (alpha kinase 3; plus strand). Cytogenetic location: 15q25.3.
Variant type: single nucleotide variant.
Coding change: c.4458A>G on transcript NM_020778.5 (MANE Select); coding-DNA position 4458, A replaced by G.
Protein change: p.Ala1486=; no amino-acid change (alanine 1486 retained).
Molecular consequence: synonymous variant.
Genome position (GRCh38, 1-based): chr15:84,863,599, A>G. VCF-style: chr15-84863599-A-G. GRCh37 (hg19) VCF-style: chr15-85406830-A-G.
Identifiers: ClinVar variation 1199060 (VCV001199060.14), dbSNP rs200241564, ClinGen allele CA7709975.

ClinVar aggregate classification (germline): Benign/Likely benign. Review status: criteria provided, multiple submitters, no conflicts (2 of 4 stars). 5 submissions from 5 submitters: Benign (1); Likely benign (4). Last evaluated 2026-01-28.

Conditions:
Cardiovascular phenotype. Identifiers: MedGen CN230736.
ALPK3-related disorder. Also called: ALPK3-related condition.

Allele frequency attached by ClinVar (database versions not stated): gnomAD exomes 0.00007 and 0.00017; TOPMed 0.00011; gnomAD 0.00012 and 0.00013; ExAC 0.00013.
gnomAD v4.1: 130 of 1,613,994 alleles (0.0081%); highest among the groups gnomAD compares: Admixed American, 0.0033%; no homozygotes.

Submissions (5):

Labcorp Genetics (formerly Invitae), Labcorp
Classification: Benign. Last evaluated: 2026-01-28. Review status: criteria provided, single submitter. Criteria: Invitae Variant Classification Sherloc (09022015). Collection method: clinical testing. Allele origin: germline.

PreventionGenetics, part of Exact Sciences
Classification: Likely benign for ALPK3-related condition. Last evaluated: 2025-10-02. Review status: criteria provided, single submitter. Criteria: ACMG Guidelines, 2015. Collection method: clinical testing. Allele origin: germline.
Comment: This variant is classified as likely benign based on ACMG/AMP sequence variant interpretation guidelines (Richards et al. 2015 PMID: 25741868, with internal and published modifications).

Women's Health and Genetics/Laboratory Corporation of America, LabCorp
Classification: Likely benign. Last evaluated: 2025-09-14. Review status: criteria provided, single submitter. Criteria: LabCorp Variant Classification Summary - May 2015. Collection method: clinical testing. Allele origin: germline.

GeneDx
Classification: Likely benign. Last evaluated: 2020-02-13. Review status: criteria provided, single submitter. Criteria: GeneDx Variant Classification Process June 2021. Collection method: clinical testing. Allele origin: germline. Affected: yes.

Ambry Genetics
Classification: Likely benign for Cardiovascular phenotype. Last evaluated: 2020-01-24. Review status: criteria provided, single submitter. Criteria: Ambry Variant Classification Scheme 2023. Collection method: clinical testing. Allele origin: germline.